The following is an entry in ClinVar:

ClinVar aggregate classification (germline): Likely benign (1 of 4 stars; one submission).

Submission:

CeGaT Center for Human Genetics Tuebingen
Classification: Likely benign. Last evaluated: 2026-04-01. Review status: criteria provided, single submitter. Criteria: CeGaT Center For Human Genetics Tuebingen Variant Classification Criteria Version 2. Collection method: clinical testing. Allele origin: germline. Affected: yes. Observed: 1 variant allele.
Comment: LILRA3: BP4, BP7

Single allele

Gene: LILRA3 (leukocyte immunoglobulin like receptor A3; minus strand). Cytogenetic location: 19q13.42.
Variant type: single nucleotide variant.
Genome position: GRCh38 VCF-style: chr19-273135-C-T. GRCh37 (hg19) VCF-style: chr19-54802021-C-T.
Identifiers: ClinVar variation 4872152 (VCV004872152.2).